The following is an entry in ClinVar:

NM_006231.4(POLE):c.1993C>T (p.Arg665Trp)

Gene: POLE (DNA polymerase epsilon, catalytic subunit; minus strand). Cytogenetic location: 12q24.33.
Variant type: single nucleotide variant.
Coding change: c.1993C>T on transcript NM_006231.4 (MANE Select); coding-DNA position 1993, C replaced by T.
Protein change: p.Arg665Trp; replaces arginine 665 with tryptophan.
Molecular consequence: missense variant.
Genome position (GRCh38, 1-based): chr12:132,668,668, G>A on the plus strand (C>T on the coding strand, the complement: POLE is on the minus strand). VCF-style: chr12-132668668-G-A. GRCh37 (hg19) VCF-style: chr12-133245254-G-A.
Other names: short protein forms R665W.
Identifiers: ClinVar variation 240414 (VCV000240414.13), dbSNP rs367902268, ClinGen allele CA6893743.
Genomic context (GRCh38, chr12:132,668,668, plus strand): 5'-GTGCCCACCCAGGCGGCCGACACTCACTGAACTCGCCCCTCCACTGCCAGGCCATCTTCC[G>A]CTGGCAGTTTGCTCCAGGCTTATTGAAGTCACAGGCAGCACAGGTGGCTTCGTCCACCAT-3'
Protein context (NP_006222.2, residues 655-675): DFNKPGANCQ[Arg665Trp]KMAWQWRGEF

ClinVar aggregate classification (germline): Uncertain significance. Review status: criteria provided, multiple submitters, no conflicts (2 of 4 stars). 4 submissions from 4 submitters: Uncertain significance (4). Last evaluated 2025-09-12.

Conditions:
Colorectal cancer, susceptibility to, 12 (CRCS12). Also called: COLORECTAL CANCER, SUSCEPTIBILITY TO, ON CHROMOSOME 12q24. Identifiers: Orphanet 220460, MedGen C3554460, MONDO:0014038, OMIM 615083.
Facial dysmorphism-immunodeficiency-livedo-short stature syndrome. Also called: Facial dysmorphism, immunodeficiency, livedo, and short stature; FILS syndrome. Identifiers: Orphanet 352712, MedGen C3554576, MONDO:0014058, OMIM 615139.
Familial colorectal cancer. Identifiers: MedGen CN280943, MONDO:0023113. Disease mechanism: loss of function.
Hereditary cancer-predisposing syndrome. Also called: Tumor predisposition; Neoplastic Syndromes, Hereditary; Hereditary Cancer Syndrome; Hereditary neoplastic syndrome. Identifiers: Orphanet 140162, MedGen C0027672, MeSH D009386, MONDO:0015356.

Allele frequency attached by ClinVar (database versions not stated): gnomAD exomes 0.00002.
gnomAD v4.1: 44 of 1,613,592 alleles (0.0027%); highest among the groups gnomAD compares: South Asian, 0.0088%; no homozygotes.

Submissions (4):

Labcorp Genetics (formerly Invitae), Labcorp
Classification: Uncertain significance. Last evaluated: 2025-09-12. Review status: criteria provided, single submitter. Criteria: Invitae Variant Classification Sherloc (09022015). Collection method: clinical testing. Allele origin: germline.
Comment: This sequence change replaces arginine, which is basic and polar, with tryptophan, which is neutral and slightly polar, at codon 665 of the POLE protein (p.Arg665Trp). This variant is present in population databases (rs367902268, gnomAD 0.006%). This variant has not been reported in the literature in individuals affected with POLE-related conditions. ClinVar contains an entry for this variant (Variation ID: 240414). Invitae Evidence Modeling of protein sequence and biophysical properties (such as structural, functional, and spatial information, amino acid conservation, physicochemical variation, residue mobility, and thermodynamic stability) indicates that this missense variant is expected to disrupt POLE protein function with a positive predictive value of 80%. In summary, the available evidence is currently insufficient to determine the role of this variant in disease. Therefore, it has been classified as a Variant of Uncertain Significance.

Ambry Genetics
Classification: Uncertain significance for Hereditary cancer-predisposing syndrome. Last evaluated: 2025-01-28. Review status: criteria provided, single submitter. Criteria: Ambry Variant Classification Scheme 2023. Collection method: clinical testing. Allele origin: germline.
Comment: The p.R665W variant (also known as c.1993C>T), located in coding exon 18 of the POLE gene, results from a C to T substitution at nucleotide position 1993. The arginine at codon 665 is replaced by tryptophan, an amino acid with dissimilar properties. This amino acid position is highly conserved in available vertebrate species. In addition, the in silico prediction for this alteration is inconclusive. Based on the available evidence, the clinical significance of this variant remains unclear.

GeneDx
Classification: Uncertain significance. Last evaluated: 2024-10-21. Review status: criteria provided, single submitter. Criteria: GeneDx Variant Classification Process June 2021. Collection method: clinical testing. Allele origin: germline. Affected: yes.
Comment: In silico analysis supports that this missense variant has a deleterious effect on protein structure/function; Has not been previously published as pathogenic or benign to our knowledge; This variant is associated with the following publications: (PMID: 33057194, 20951805, 28427513, 35982159)

St. Jude Molecular Pathology, St. Jude Children's Research Hospital
Classification: Uncertain significance for Colorectal cancer, susceptibility to, 12. Last evaluated: 2022-01-03. Review status: criteria provided, single submitter. Criteria: St. Jude Assertion Criteria 2020. Collection method: clinical testing. Allele origin: germline.
Comment: The POLE c.1993C>T (p.Arg665Trp) missense change has a maximum subpopulation frequency of 0.0065% in gnomAD v2.1.1. The in silico tool REVEL is inconclusive about a pathogenic or benign effect of this variant on protein function, and to our knowledge functional studies have not been performed. This variant has been identified in a hypermutated tumor (PMID: 29056344). To our knowledge, this variant has not been reported in individuals with POLE-related disease. In summary, the evidence currently available is insufficient to determine the clinical significance of this variant. It has therefore been classified as of uncertain significance.